The following is an entry in ClinVar:

NM_006160.4(NEUROD2):c.302C>A (p.Pro101His)

Gene: NEUROD2 (neuronal differentiation 2; minus strand). Cytogenetic location: 17q12.
Variant type: single nucleotide variant.
Coding change: c.302C>A on transcript NM_006160.4 (MANE Select); coding-DNA position 302, C replaced by A.
Protein change: p.Pro101His; replaces proline 101 with histidine.
Molecular consequence: missense variant.
Genome position (GRCh38, 1-based): chr17:39,606,298, G>T on the plus strand (C>A on the coding strand, the complement: NEUROD2 is on the minus strand). VCF-style: chr17-39606298-G-T. GRCh37 (hg19) VCF-style: chr17-37762551-G-T.
Other names: short protein forms P101H.
Identifiers: ClinVar variation 4056648 (VCV004056648.1).
Genomic context (GRCh38, chr17:39,606,298, plus strand): 5'-AGCTTGGAGCGCTCCAAGCGCGCCTTGGTCATCTTGCGCTTCTTGGGCCCGCGCTTCTTG[G>T]GCCGCTCGCCCTCCGCCTCGTCCAGTCCTTCTTCCTCCTCCTCTTCCTCCTCCTCCTCTC-3'
Protein context (NP_006151.3, residues 91-111): EGLDEAEGER[Pro101His]KKRGPKKRKM

ClinVar aggregate classification (germline): Uncertain significance (1 of 4 stars; one submission).

Conditions:
Developmental and epileptic encephalopathy, 72. Also called: EPILEPTIC ENCEPHALOPATHY, EARLY INFANTILE, 72. Identifiers: MedGen C5193063, MONDO:0032710, OMIM 618374.

Submission:

Laboratorio de Genetica e Diagnostico Molecular, Hospital Israelita Albert Einstein
Classification: Uncertain significance for Developmental and epileptic encephalopathy, 72. Last evaluated: 2023-09-26. Review status: criteria provided, single submitter. Criteria: ACMG Guidelines, 2015. Collection method: clinical testing. Allele origin: germline. Affected: yes.
Comment: ACMG classification criteria: PM2 moderate, PP3 supporting